The following is an entry in ClinVar:

ClinVar aggregate classification (germline): Uncertain significance (1 of 4 stars; one submission).

Allele frequency attached by ClinVar (database versions not stated): ExAC 0.00001; TOPMed 0.00002; gnomAD 0.00005; ESP Exome Variant Server 0.00008.
gnomAD v4.1: 46 of 1,613,990 alleles (0.0029%); highest among the groups gnomAD compares: Non-Finnish European, 0.0037%; no homozygotes.

Submission:

Labcorp Genetics (formerly Invitae), Labcorp
Classification: Uncertain significance. Last evaluated: 2022-10-15. Review status: criteria provided, single submitter. Criteria: Invitae Variant Classification Sherloc (09022015). Collection method: clinical testing. Allele origin: germline.
Comment: In summary, the available evidence is currently insufficient to determine the role of this variant in disease. Therefore, it has been classified as a Variant of Uncertain Significance. Algorithms developed to predict the effect of sequence changes on RNA splicing suggest that this variant may create or strengthen a splice site. This variant has not been reported in the literature in individuals affected with HMCN1-related conditions. This variant is present in population databases (rs376420678, gnomAD 0.006%). This sequence change affects codon 3800 of the HMCN1 mRNA. It is a 'silent' change, meaning that it does not change the encoded amino acid sequence of the HMCN1 protein.

NM_031935.3(HMCN1):c.11400C>G (p.Val3800=)

Gene: HMCN1 (hemicentin 1; plus strand). Cytogenetic location: 1q31.1.
Variant type: single nucleotide variant.
Coding change: c.11400C>G on transcript NM_031935.3 (MANE Select); coding-DNA position 11400, C replaced by G.
Protein change: p.Val3800=; no amino-acid change (valine 3800 retained).
Molecular consequence: synonymous variant.
Genome position (GRCh38, 1-based): chr1:186,114,942, C>G. VCF-style: chr1-186114942-C-G. GRCh37 (hg19) VCF-style: chr1-186084074-C-G.
Identifiers: ClinVar variation 1966845 (VCV001966845.5), dbSNP rs376420678, ClinGen allele CA1294023.
Genomic context (GRCh38, chr1:186,114,942, plus strand): 5'-GTATTTGTGTATGGCCACCAATGCTGCTGGAACAGATCGCAGGCGAATAGATTTACAGGT[C>G]CATGGTAAATATCCGTTTATAGACAACATCCGGTCTCTGTGTCAAATGCTCTTTGATTGC-3'
Protein context (NP_114141.2, residues 3790-3810): GTDRRRIDLQ[Val3800=]HVPPSIAPGP